The following is an entry in ClinVar:

NM_006254.4(PRKCD):c.1840C>T (p.Arg614Trp)

Gene: PRKCD (protein kinase C delta; plus strand). Cytogenetic location: 3p21.1.
Variant type: single nucleotide variant.
Coding change: c.1840C>T on transcript NM_006254.4 (MANE Select); coding-DNA position 1840, C replaced by T.
Protein change: p.Arg614Trp; replaces arginine 614 with tryptophan.
Molecular consequence: missense variant.
Genome position (GRCh38, 1-based): chr3:53,189,969, C>T. VCF-style: chr3-53189969-C-T. GRCh37 (hg19) VCF-style: chr3-53223985-C-T.
Other names: c.1840C>T, p.Arg614Trp (NM_001316327.2, NM_001354679.2, NM_001354680.2 and 2 more transcripts); c.1897C>T, p.Arg633Trp (NM_001354676.2); c.1888C>T, p.Arg630Trp (NM_001354678.2); short protein forms R614W, R633W, R630W.
Identifiers: ClinVar variation 157675 (VCV000157675.6), dbSNP rs606231297, ClinGen allele CA171034.

ClinVar aggregate classification (germline): Conflicting classifications of pathogenicity. Review status: criteria provided, conflicting classifications (1 of 4 stars). 3 submissions from 3 submitters: Likely pathogenic (1); Uncertain significance (1). 1 of the submissions does not count toward it. Last evaluated 2023-10-04.

Conditions:
Autoimmune lymphoproliferative syndrome, type III caused by mutation in PRKCD. Identifiers: Orphanet 3261, Orphanet 664711, MedGen C3809928, MONDO:8000024, OMIM 615559.

Allele frequency attached by ClinVar (database versions not stated): gnomAD 0.00001; gnomAD exomes below 0.00001 and 0.00001; ExAC 0.00001; TOPMed 0.00002.
gnomAD v4.1: 7 of 1,614,050 alleles (0.00043%); highest among the groups gnomAD compares: Admixed American, 0.005%; no homozygotes.

Submissions (3):

GeneDx
Classification: Likely pathogenic. Last evaluated: 2023-10-04. Review status: criteria provided, single submitter. Criteria: GeneDx Variant Classification Process June 2021. Collection method: clinical testing. Allele origin: germline.
Comment: Published functional studies demonstrate a damaging effect as R614W exerts a hypomorphic effect leading to PRKCD deficiency (PMID: 34264265); This variant is associated with the following publications: (PMID: 25149170, 30257684, 35753512, 30446598, 34197550, 27541826, 23430113, 34264265)

Labcorp Genetics (formerly Invitae), Labcorp
Classification: Uncertain significance for Autoimmune lymphoproliferative syndrome, type III caused by mutation in PRKCD. Last evaluated: 2022-08-19. Review status: criteria provided, single submitter. Criteria: Invitae Variant Classification Sherloc (09022015). Collection method: clinical testing. Allele origin: germline.
Comment: This sequence change replaces arginine, which is basic and polar, with tryptophan, which is neutral and slightly polar, at codon 614 of the PRKCD protein (p.Arg614Trp). This variant is present in population databases (rs606231297, gnomAD 0.009%). This missense change has been observed in individual(s) with clinical features of PRKC delta deficiency (PMID: 23430113). ClinVar contains an entry for this variant (Variation ID: 157675). Algorithms developed to predict the effect of missense changes on protein structure and function are either unavailable or do not agree on the potential impact of this missense change (SIFT: "Deleterious"; PolyPhen-2: "Possibly Damaging"; Align-GVGD: "Class C0"). Experimental studies have shown that this missense change affects PRKCD function (PMID: 34264265). In summary, the available evidence is currently insufficient to determine the role of this variant in disease. Therefore, it has been classified as a Variant of Uncertain Significance.

OMIM
Classification: Pathogenic for AUTOIMMUNE LYMPHOPROLIFERATIVE SYNDROME, TYPE III. Last evaluated: 2013-04-18. Review status: no assertion criteria provided. Collection method: literature only. Allele origin: germline. Not counted in ClinVar's aggregate classification.

Literature cited by the submitters: PubMed 23430113 (cited by Labcorp Genetics (formerly Invitae), Labcorp and OMIM); PubMed 34264265 (cited by Labcorp Genetics (formerly Invitae), Labcorp).